The following is an entry in ClinVar:

ClinVar aggregate classification (germline): Conflicting classifications of pathogenicity. Review status: criteria provided, conflicting classifications (1 of 4 stars). 2 submissions from 2 submitters: Uncertain significance (1); Likely benign (1). Last evaluated 2025-12-09.

Conditions:
Inborn genetic diseases. Identifiers: MedGen C0950123, MeSH D030342.
Developmental and epileptic encephalopathy, 30 (DEE30). Also called: Epileptic encephalopathy, early infantile, 30. Identifiers: MedGen C4225360, MONDO:0014595, OMIM 616341.

Submissions (2):

Labcorp Genetics (formerly Invitae), Labcorp
Classification: Uncertain significance for Developmental and epileptic encephalopathy, 30. Last evaluated: 2025-12-09. Review status: criteria provided, single submitter. Criteria: Invitae Variant Classification Sherloc (09022015). Collection method: clinical testing. Allele origin: germline.
Comment: This sequence change replaces arginine, which is basic and polar, with glycine, which is neutral and non-polar, at codon 279 of the SIK1 protein (p.Arg279Gly). This variant is present in population databases (rs778203309, gnomAD 0.01%). This variant has not been reported in the literature in individuals affected with SIK1-related conditions. ClinVar contains an entry for this variant (Variation ID: 1362958). An algorithm developed to predict the effect of missense changes on protein structure and function (PolyPhen-2) suggests that this variant is likely to be tolerated. In summary, the available evidence is currently insufficient to determine the role of this variant in disease. Therefore, it has been classified as a Variant of Uncertain Significance.

Ambry Genetics
Classification: Likely benign for Inborn genetic diseases. Last evaluated: 2021-08-13. Review status: criteria provided, single submitter. Criteria: Ambry Variant Classification Scheme 2023. Collection method: clinical testing. Allele origin: germline.

NM_173354.5(SIK1):c.835C>G (p.Arg279Gly)

Gene: SIK1 (salt inducible kinase 1; minus strand). Cytogenetic location: 21q22.3.
Variant type: single nucleotide variant.
Coding change: c.835C>G on transcript NM_173354.5 (MANE Select); coding-DNA position 835, C replaced by G.
Protein change: p.Arg279Gly; replaces arginine 279 with glycine.
Molecular consequence: missense variant.
Genome position (GRCh38, 1-based): chr21:43,420,371, G>C on the plus strand (C>G on the coding strand, the complement: SIK1 is on the minus strand). VCF-style: chr21-43420371-G-C. GRCh37 (hg19) VCF-style: chr21-44840251-G-C.
Other names: c.835C>G (NM_173354.3); short protein forms R279G.
Identifiers: ClinVar variation 1362958 (VCV001362958.9), dbSNP rs778203309, ClinGen allele CA321326902.